The following is an entry in ClinVar:

NM_020937.4(FANCM):c.5504C>A (p.Ser1835Tyr)

Gene: FANCM (FA complementation group M; plus strand). Cytogenetic location: 14q21.2.
Variant type: single nucleotide variant.
Coding change: c.5504C>A on transcript NM_020937.4 (MANE Select); coding-DNA position 5504, C replaced by A.
Protein change: p.Ser1835Tyr; replaces serine 1835 with tyrosine.
Molecular consequence: missense variant.
Genome position (GRCh38, 1-based): chr14:45,196,335, C>A. VCF-style: chr14-45196335-C-A. GRCh37 (hg19) VCF-style: chr14-45665538-C-A.
Other names: c.5426C>A, p.Ser1809Tyr (NM_001308133.2); short protein forms S1835Y, S1809Y.
Identifiers: ClinVar variation 3667991 (VCV003667991.2).

ClinVar aggregate classification (germline): Uncertain significance (1 of 4 stars; one submission).

Conditions:
Fanconi anemia (FA). Also called: Fanconi's anemia. Identifiers: Orphanet 84, MedGen C0015625, MeSH D005199, MONDO:0019391.

gnomAD v4.1: 6 of 1,614,004 alleles (0.00037%); highest among the groups gnomAD compares: Non-Finnish European, 0.00051%; no homozygotes.

Submission:

Labcorp Genetics (formerly Invitae), Labcorp
Classification: Uncertain significance for Fanconi anemia. Last evaluated: 2024-12-24. Review status: criteria provided, single submitter. Criteria: Invitae Variant Classification Sherloc (09022015). Collection method: clinical testing. Allele origin: germline.
Comment: This sequence change replaces serine, which is neutral and polar, with tyrosine, which is neutral and polar, at codon 1835 of the FANCM protein (p.Ser1835Tyr). This variant is not present in population databases (gnomAD no frequency). This variant has not been reported in the literature in individuals affected with FANCM-related conditions. An algorithm developed to predict the effect of missense changes on protein structure and function (PolyPhen-2) suggests that this variant is likely to be disruptive. In summary, the available evidence is currently insufficient to determine the role of this variant in disease. Therefore, it has been classified as a Variant of Uncertain Significance.